The following is an entry in ClinVar:

ClinVar aggregate classification (germline): Uncertain significance (1 of 4 stars; one submission).

Submission:

Labcorp Genetics (formerly Invitae), Labcorp
Classification: Uncertain significance. Last evaluated: 2021-04-26. Review status: criteria provided, single submitter. Criteria: Invitae Variant Classification Sherloc (09022015). Collection method: clinical testing. Allele origin: germline.
Comment: In summary, the available evidence is currently insufficient to determine the role of this variant in disease. Therefore, it has been classified as a Variant of Uncertain Significance. Algorithms developed to predict the effect of missense changes on protein structure and function are either unavailable or do not agree on the potential impact of this missense change (SIFT: "Tolerated"; PolyPhen-2: "Probably Damaging"; Align-GVGD: "Class C0"). This variant has not been reported in the literature in individuals with ERBB2-related conditions. This variant is not present in population databases (ExAC no frequency). This sequence change replaces aspartic acid with glutamic acid at codon 873 of the ERBB2 protein (p.Asp873Glu). The aspartic acid residue is highly conserved and there is a small physicochemical difference between aspartic acid and glutamic acid.

NM_004448.4(ERBB2):c.2619C>G (p.Asp873Glu)

Gene: ERBB2 (erb-b2 receptor tyrosine kinase 2; plus strand). Cytogenetic location: 17q12.
Variant type: single nucleotide variant.
Coding change: c.2619C>G on transcript NM_004448.4 (MANE Select); coding-DNA position 2619, C replaced by G.
Protein change: p.Asp873Glu; replaces aspartic acid 873 with glutamic acid.
Molecular consequence: missense variant. On other transcripts: non-coding transcript variant (1), intron variant (3).
Genome position (GRCh38, 1-based): chr17:39,725,174, C>G. VCF-style: chr17-39725174-C-G. GRCh37 (hg19) VCF-style: chr17-37881427-C-G.
Other names: c.2529C>G, p.Asp843Glu (NM_001005862.3, NM_001382782.1, NM_001382783.1); c.2574C>G, p.Asp858Glu (NM_001289936.2); c.2619C>G, p.Asp873Glu (NM_001289937.2, NM_001382796.1); c.2736C>G, p.Asp912Glu (NM_001382784.1); c.2721C>G, p.Asp907Glu (NM_001382785.1); c.2700C>G, p.Asp900Glu (NM_001382786.1); c.2694C>G, p.Asp898Glu (NM_001382787.1); c.2649C>G, p.Asp883Glu (NM_001382788.1); and 15 more; short protein forms D811E, D840E, D880E, D813E, D843E, D859E, D872E, D873E.
Identifiers: ClinVar variation 1447033 (VCV001447033.8), dbSNP rs540921632, ClinGen allele CA399305066.